The following is an entry in ClinVar:

ClinVar aggregate classification (germline): Uncertain significance. Review status: criteria provided, multiple submitters, no conflicts (2 of 4 stars). 3 submissions from 3 submitters: Uncertain significance (3). Last evaluated 2026-05-31.

Conditions:
Hereditary cancer-predisposing syndrome. Also called: Neoplastic Syndromes, Hereditary; Tumor predisposition; Hereditary Cancer Syndrome; Hereditary neoplastic syndrome. Identifiers: Orphanet 140162, MedGen C0027672, MeSH D009386, MONDO:0015356.
Hereditary diffuse gastric adenocarcinoma (HDGC). Also called: DIFFUSE GASTRIC AND LOBULAR BREAST CANCER SYNDROME. Identifiers: Orphanet 26106, MedGen C1708349, MONDO:0007648, OMIM 137215.

Submissions (3):

Ambry Genetics
Classification: Uncertain significance for Hereditary cancer-predisposing syndrome. Last evaluated: 2026-05-31. Review status: criteria provided, single submitter. Criteria: Ambry Variant Classification Scheme 2023. Collection method: clinical testing. Allele origin: germline.
Comment: The p.E852G variant (also known as c.2555A>G), located in coding exon 16 of the CDH1 gene, results from an A to G substitution at nucleotide position 2555. The glutamic acid at codon 852 is replaced by glycine, an amino acid with similar properties. This amino acid position is conserved. In addition, this alteration is predicted to be tolerated by in silico analysis. Based on the available evidence, the clinical significance of this variant remains unclear.

Center for Genomic Medicine, Rigshospitalet, Copenhagen University Hospital
Classification: Uncertain significance. Last evaluated: 2025-03-04. Review status: criteria provided, single submitter. Criteria: ACMG Guidelines, 2015. Collection method: clinical testing. Allele origin: germline.

Labcorp Genetics (formerly Invitae), Labcorp
Classification: Uncertain significance for Hereditary diffuse gastric adenocarcinoma. Last evaluated: 2023-02-22. Review status: criteria provided, single submitter. Criteria: Invitae Variant Classification Sherloc (09022015). Collection method: clinical testing. Allele origin: germline.
Comment: ClinVar contains an entry for this variant (Variation ID: 1802899). Algorithms developed to predict the effect of missense changes on protein structure and function output the following: SIFT: "Not Available"; PolyPhen-2: "Benign"; Align-GVGD: "Not Available". The glycine amino acid residue is found in multiple mammalian species, which suggests that this missense change does not adversely affect protein function. In summary, the available evidence is currently insufficient to determine the role of this variant in disease. Therefore, it has been classified as a Variant of Uncertain Significance. This variant has not been reported in the literature in individuals affected with CDH1-related conditions. This variant is not present in population databases (gnomAD no frequency). This sequence change replaces glutamic acid, which is acidic and polar, with glycine, which is neutral and non-polar, at codon 852 of the CDH1 protein (p.Glu852Gly).

NM_004360.5(CDH1):c.2555A>G (p.Glu852Gly)

Gene: CDH1 (cadherin 1; plus strand). Cytogenetic location: 16q22.1.
Variant type: single nucleotide variant.
Coding change: c.2555A>G on transcript NM_004360.5 (MANE Select); coding-DNA position 2555, A replaced by G.
Protein change: p.Glu852Gly; replaces glutamic acid 852 with glycine.
Molecular consequence: missense variant.
Genome position (GRCh38, 1-based): chr16:68,833,405, A>G. VCF-style: chr16-68833405-A-G. GRCh37 (hg19) VCF-style: chr16-68867308-A-G.
Other names: c.2372A>G, p.Glu791Gly (NM_001317184.2); c.1007A>G, p.Glu336Gly (NM_001317185.2); c.590A>G, p.Glu197Gly (NM_001317186.2); short protein forms E197G, E336G, E791G, E852G.
Identifiers: ClinVar variation 1802899 (VCV001802899.11), dbSNP rs1485384861, ClinGen allele CA396472424.